The following is an entry in ClinVar:

NM_153676.4(USH1C):c.2547-8A>G

Gene: USH1C (USH1 protein network component harmonin; minus strand). Cytogenetic location: 11p15.1.
Variant type: single nucleotide variant.
Coding change: c.2547-8A>G on transcript NM_153676.4 (MANE Select); 8 bases into the intron before coding-DNA position 2547, A replaced by G.
Molecular consequence: intron variant.
Genome position (GRCh38, 1-based): chr11:17,495,685, T>C on the plus strand (A>G on the coding strand, the complement: USH1C is on the minus strand). VCF-style: chr11-17495685-T-C. GRCh37 (hg19) VCF-style: chr11-17517232-T-C.
Other names: c.1589+1073A>G (NM_001297764.2); c.1646+1073A>G (NM_005709.4).
Identifiers: ClinVar variation 178560 (VCV000178560.20), dbSNP rs78509055, ClinGen allele CA182558.

ClinVar aggregate classification (germline): Benign/Likely benign. Review status: criteria provided, multiple submitters, no conflicts (2 of 4 stars). 5 submissions from 5 submitters: Benign (3); Likely benign (2). Last evaluated 2024-11-26.

Allele frequency attached by ClinVar (database versions not stated): gnomAD exomes 0.00054 and 0.00179; ExAC 0.00219; gnomAD 0.00664 and 0.00720; ESP Exome Variant Server 0.00678; 1000 Genomes Project 30x 0.00718; 1000 Genomes Project 0.00719; TOPMed 0.00756.
gnomAD v4.1: 1,860 of 1,613,868 alleles (0.12%); highest among the groups gnomAD compares: African/African-American, 2.1%; 23 homozygotes.

Submissions (5):

Blueprint Genetics
Classification: Likely benign. Last evaluated: 2024-11-26. Review status: criteria provided, single submitter. Criteria: ACMG Guidelines, 2015. Collection method: clinical testing. Allele origin: germline.

Labcorp Genetics (formerly Invitae), Labcorp
Classification: Benign. Last evaluated: 2022-10-03. Review status: criteria provided, single submitter. Criteria: Invitae Variant Classification Sherloc (09022015). Collection method: clinical testing. Allele origin: germline.

GeneDx
Classification: Likely benign. Last evaluated: 2021-10-20. Review status: criteria provided, single submitter. Criteria: GeneDx Variant Classification Process June 2021. Collection method: clinical testing. Allele origin: germline. Affected: yes.

Athena Diagnostics
Classification: Benign. Last evaluated: 2018-11-13. Review status: criteria provided, single submitter. Criteria: Athena Diagnostics Criteria. Collection method: clinical testing. Allele origin: germline.

Laboratory for Molecular Medicine, Mass General Brigham Personalized Medicine
Classification: Benign. Last evaluated: 2012-04-30. Review status: criteria provided, single submitter. Criteria: LMM Criteria. Collection method: clinical testing. Allele origin: germline. Observed: 5 variant alleles.
Comment: 2547-8A>G in Intron 25 of USH1C: This variant is not expected to have clinical s ignificance because it has been identified in 1.9% (72/3738) of African American chromosomes from a broad population by the NHLBI Exome Sequencing Project (dbSNP rs78509055).